The following is an entry in ClinVar:

ClinVar aggregate classification (germline): Uncertain significance (1 of 4 stars; one submission).

gnomAD v4.1: 4 of 1,614,044 alleles (0.00025%); highest among the groups gnomAD compares: South Asian, 0.0044%; no homozygotes.

Submission:

Labcorp Genetics (formerly Invitae), Labcorp
Classification: Uncertain significance. Last evaluated: 2024-06-28. Review status: criteria provided, single submitter. Criteria: Invitae Variant Classification Sherloc (09022015). Collection method: clinical testing. Allele origin: germline.
Comment: This sequence change replaces valine, which is neutral and non-polar, with isoleucine, which is neutral and non-polar, at codon 45 of the TAB2 protein (p.Val45Ile). This variant is present in population databases (rs756880559, gnomAD 0.006%). This variant has not been reported in the literature in individuals affected with TAB2-related conditions. Advanced modeling of protein sequence and biophysical properties (such as structural, functional, and spatial information, amino acid conservation, physicochemical variation, residue mobility, and thermodynamic stability) performed at Invitae indicates that this missense variant is not expected to disrupt TAB2 protein function with a negative predictive value of 80%. In summary, the available evidence is currently insufficient to determine the role of this variant in disease. Therefore, it has been classified as a Variant of Uncertain Significance.

NM_001292034.3(TAB2):c.133G>A (p.Val45Ile)

Gene: TAB2 (TGF-beta activated kinase 1 (MAP3K7) binding protein 2; plus strand). Cytogenetic location: 6q25.1.
Variant type: single nucleotide variant.
Coding change: c.133G>A on transcript NM_001292034.3 (MANE Select); coding-DNA position 133, G replaced by A.
Protein change: p.Val45Ile; replaces valine 45 with isoleucine.
Molecular consequence: missense variant.
Genome position (GRCh38, 1-based): chr6:149,378,048, G>A. VCF-style: chr6-149378048-G-A. GRCh37 (hg19) VCF-style: chr6-149699184-G-A.
Other names: c.37G>A, p.Val13Ile (NM_001292035.3); c.133G>A, p.Val45Ile (NM_001369506.1, NM_015093.6); short protein forms V13I, V45I.
Identifiers: ClinVar variation 3658129 (VCV003658129.2).